The following is an entry in ClinVar:

ClinVar aggregate classification (germline): Uncertain significance (1 of 4 stars; one submission).

Allele frequency attached by ClinVar (database versions not stated): gnomAD 0.00002; gnomAD exomes 0.00004.
gnomAD v4.1: 55 of 1,614,104 alleles (0.0034%); highest among the groups gnomAD compares: Non-Finnish European, 0.0047%; no homozygotes.

Submission:

Labcorp Genetics (formerly Invitae), Labcorp
Classification: Uncertain significance. Last evaluated: 2023-08-04. Review status: criteria provided, single submitter. Criteria: Invitae Variant Classification Sherloc (09022015). Collection method: clinical testing. Allele origin: germline.
Comment: In summary, the available evidence is currently insufficient to determine the role of this variant in disease. Therefore, it has been classified as a Variant of Uncertain Significance. An algorithm developed to predict the effect of missense changes on protein structure and function (PolyPhen-2) suggests that this variant is likely to be tolerated. ClinVar contains an entry for this variant (Variation ID: 1923231). This variant has not been reported in the literature in individuals affected with AGBL5-related conditions. This variant is present in population databases (no rsID available, gnomAD 0.0009%). This sequence change replaces alanine, which is neutral and non-polar, with threonine, which is neutral and polar, at codon 381 of the AGBL5 protein (p.Ala381Thr).

NM_021831.6(AGBL5):c.1141G>A (p.Ala381Thr)

Gene: AGBL5 (AGBL carboxypeptidase 5; plus strand). Cytogenetic location: 2p23.3.
Variant type: single nucleotide variant.
Coding change: c.1141G>A on transcript NM_021831.6 (MANE Select); coding-DNA position 1141, G replaced by A.
Protein change: p.Ala381Thr; replaces alanine 381 with threonine.
Molecular consequence: missense variant. On other transcripts: non-coding transcript variant (2).
Genome position (GRCh38, 1-based): chr2:27,055,914, G>A. VCF-style: chr2-27055914-G-A. GRCh37 (hg19) VCF-style: chr2-27278782-G-A.
Other names: c.1141G>A, p.Ala381Thr (NM_001035506.1, NM_001035507.3); short protein forms A381T.
Identifiers: ClinVar variation 1923231 (VCV001923231.5), dbSNP rs912547580, ClinGen allele CA44464654.